The following is an entry in ClinVar:

NM_000501.4(ELN):c.889G>T (p.Gly297Cys)

Gene: ELN (elastin; plus strand). Cytogenetic location: 7q11.23.
Variant type: single nucleotide variant.
Coding change: c.889G>T on transcript NM_000501.4 (MANE Select); coding-DNA position 889, G replaced by T.
Protein change: p.Gly297Cys; replaces glycine 297 with cysteine.
Molecular consequence: missense variant.
Genome position (GRCh38, 1-based): chr7:74,051,839, G>T. VCF-style: chr7-74051839-G-T. GRCh37 (hg19) VCF-style: chr7-73466169-G-T.
Other names: c.859G>T, p.Gly287Cys (NM_001081752.3, NM_001278917.2); c.904G>T, p.Gly302Cys (NM_001081753.3, NM_001081754.3); c.889G>T, p.Gly297Cys (NM_001081755.3, NM_001278912.2, NM_001278915.2 and 1 more transcripts); c.781G>T, p.Gly261Cys (NM_001278913.2); c.874G>T, p.Gly292Cys (NM_001278914.2); c.847G>T, p.Gly283Cys (NM_001278916.2); c.757G>T, p.Gly253Cys (NM_001278918.2); short protein forms G292C, G297C, G253C, G261C, G302C, G283C, G287C.
Identifiers: ClinVar variation 1999144 (VCV001999144.4), dbSNP rs1794110364, ClinGen allele CA367871192.

ClinVar aggregate classification (germline): Uncertain significance (1 of 4 stars; one submission).

Conditions:
Supravalvar aortic stenosis (SVAS). Also called: Supravalvar aortic stenosis, Eisenberg type. Identifiers: Orphanet 3193, MedGen C0003499, MONDO:0008504, OMIM 185500, HP:0004381.

Allele frequency attached by ClinVar (database versions not stated): gnomAD exomes below 0.00001.

Submission:

Labcorp Genetics (formerly Invitae), Labcorp
Classification: Uncertain significance for Supravalvar aortic stenosis. Last evaluated: 2024-07-19. Review status: criteria provided, single submitter. Criteria: Invitae Variant Classification Sherloc (09022015). Collection method: clinical testing. Allele origin: germline.
Comment: This sequence change replaces glycine, which is neutral and non-polar, with cysteine, which is neutral and slightly polar, at codon 297 of the ELN protein (p.Gly297Cys). This variant also falls at the last nucleotide of exon 16, which is part of the consensus splice site for this exon. This variant is not present in population databases (gnomAD no frequency). This missense change has been observed in individual(s) with structural heart defects (Invitae). ClinVar contains an entry for this variant (Variation ID: 1999144). Experimental studies and prediction algorithms are not available or were not evaluated, and the functional significance of this variant is currently unknown. Variants that disrupt the consensus splice site are a relatively common cause of aberrant splicing (PMID: 17576681, 9536098). Algorithms developed to predict the effect of sequence changes on RNA splicing suggest that this variant may disrupt the consensus splice site. In summary, the available evidence is currently insufficient to determine the role of this variant in disease. Therefore, it has been classified as a Variant of Uncertain Significance.

Literature cited by the submitters: PubMed 17576681; PubMed 9536098.